The following is an entry in ClinVar:

ClinVar aggregate classification (germline): Uncertain significance (1 of 4 stars; one submission).

Conditions:
Pick disease. Also called: PICK DISEASE OF BRAIN; DEMENTIA WITH LOBAR ATROPHY AND NEURONAL CYTOPLASMIC INCLUSIONS; LOBAR ATROPHY OF BRAIN; Pick's disease; Pick Disease of the Brain. Identifiers: Orphanet 282, MedGen C0236642, MONDO:0008243, OMIM 172700.
Alzheimer disease 3 (AD3). Also called: ALZHEIMER DISEASE, FAMILIAL, 3. Identifiers: Orphanet 1020, MedGen C1843013, MONDO:0011913, OMIM 607822.
Frontotemporal dementia (FTD1). Also called: Frontotemporal lobe dementia (FLDEM); FRONTOTEMPORAL LOBAR DEGENERATION WITH TAU INCLUSIONS; FTLD WITH TAU INCLUSIONS; Dementia, frontotemporal, with or without parkinsonism; FRONTOTEMPORAL DEMENTIA WITH PARKINSONISM; FRONTOTEMPORAL LOBE DEMENTIA. Identifiers: Orphanet 282, MedGen C0338451, MONDO:0017276, OMIM 600274, HP:0002145.
Acne inversa, familial, 3 (ACNINV3). Identifiers: MedGen C3151038, MONDO:0013398, OMIM 613737.

Submission:

Labcorp Genetics (formerly Invitae), Labcorp
Classification: Uncertain significance for Alzheimer disease 3; Pick disease; Acne inversa, familial, 3; Frontotemporal dementia. Last evaluated: 2024-07-09. Review status: criteria provided, single submitter. Criteria: Invitae Variant Classification Sherloc (09022015). Collection method: clinical testing. Allele origin: germline.
Comment: This sequence change replaces glycine, which is neutral and non-polar, with aspartic acid, which is acidic and polar, at codon 394 of the PSEN1 protein (p.Gly394Asp). This variant is not present in population databases (gnomAD no frequency). This variant has not been reported in the literature in individuals affected with PSEN1-related conditions. Advanced modeling of protein sequence and biophysical properties (such as structural, functional, and spatial information, amino acid conservation, physicochemical variation, residue mobility, and thermodynamic stability) performed at Invitae indicates that this missense variant is expected to disrupt PSEN1 protein function with a positive predictive value of 80%. This variant disrupts the p.Gly394 amino acid residue in PSEN1. Other variant(s) that disrupt this residue have been determined to be pathogenic (PMID: 11524469, 18525293, 27777022, 30954774). This suggests that this residue is clinically significant, and that variants that disrupt this residue are likely to be disease-causing. In summary, the available evidence is currently insufficient to determine the role of this variant in disease. Therefore, it has been classified as a Variant of Uncertain Significance.

Literature cited by the submitters: PubMed 11524469; PubMed 18525293; PubMed 27777022; PubMed 30954774.

NM_000021.4(PSEN1):c.1181G>A (p.Gly394Asp)

Gene: PSEN1 (presenilin 1; plus strand). Cytogenetic location: 14q24.2.
Variant type: single nucleotide variant.
Coding change: c.1181G>A on transcript NM_000021.4 (MANE Select); coding-DNA position 1181, G replaced by A.
Protein change: p.Gly394Asp; replaces glycine 394 with aspartic acid.
Molecular consequence: missense variant.
Genome position (GRCh38, 1-based): chr14:73,217,177, G>A. VCF-style: chr14-73217177-G-A. GRCh37 (hg19) VCF-style: chr14-73683885-G-A.
Other names: c.1169G>A, p.Gly390Asp (NM_007318.3); short protein forms G390D, G394D.
Identifiers: ClinVar variation 3760947 (VCV003760947.2).